The following is an entry in ClinVar:

ClinVar aggregate classification (germline): Pathogenic (1 of 4 stars; one submission).

Conditions:
Severe myoclonic epilepsy in infancy (DRVT). Also called: Dravet syndrome; Epileptic encephalopathy, early infantile, 6 (Dravet syndrome); SEVERE MYOCLONIC EPILEPSY OF INFANCY; DEVELOPMENTAL AND EPILEPTIC ENCEPHALOPATHY 6A; Severe Myoclonic Epilepsy in Infancy (SMEI). Identifiers: Orphanet 33069, MedGen C0751122, MONDO:0100135, OMIM 607208.

Submission:

Department of Child Neurology, National Center Hospital, National Center of Neurology and Psychiatry
Classification: Pathogenic for Severe myoclonic epilepsy in infancy. Last evaluated: 2024-12-16. Review status: criteria provided, single submitter. Criteria: ACMG Guidelines, 2015. Collection method: clinical testing. Allele origin: de novo. Inheritance: Sporadic. Affected: yes. Observed: 1 variant allele.
Comment: This variant introduces a premature stop codon, resulting in a truncating variant and is predicted to undergo nonsense-mediated mRNA decay (NMD). This variant was predicted to be deleterious by multiple in silico tools. Based on the American College of Medical Genetics and Genomics (ACMG) standards and guidelines, as well as recommendations from the ClinGen Sequence Variant Interpretation Working Group, this variant was classified as pathogenic.

NM_001165963.4(SCN1A):c.4480G>T (p.Gly1494Ter)

Genes: SCN1A (sodium voltage-gated channel alpha subunit 1; minus strand), LOC102724058 (uncharacterized LOC102724058; plus strand). Cytogenetic location: 2q24.3.
Variant type: single nucleotide variant.
Coding change: c.4480G>T on transcript NM_001165963.4 (MANE Select); coding-DNA position 4480, G replaced by T.
Protein change: p.Gly1494Ter; replaces glycine 1494 with a stop codon.
Molecular consequence: nonsense. On other transcripts: non-coding transcript variant (1).
Genome position (GRCh38, 1-based): chr2:165,996,114, C>A on the plus strand (G>T on the coding strand, the complement: SCN1A is on the minus strand). VCF-style: chr2-165996114-C-A. GRCh37 (hg19) VCF-style: chr2-166852624-C-A.
Other names: c.4480G>T, p.Gly1494Ter (NM_001202435.3, NM_001353948.2); c.4447G>T, p.Gly1483Ter (NM_001353949.2, NM_001353950.2, NM_001353951.2 and 2 more transcripts); c.4444G>T, p.Gly1482Ter (NM_001353954.2, NM_001353955.2); c.2038G>T, p.Gly680Ter (NM_001353961.2); c.4396G>T, p.Gly1466Ter (NM_001353957.2, NM_001353958.2, NM_001165964.3); c.4393G>T, p.Gly1465Ter (NM_001353960.2); short protein forms G1465*, G1466*, G1482*, G1483*, G1494*, G680*.
Identifiers: ClinVar variation 3774336 (VCV003774336.1).